The following is an entry in ClinVar:

NM_024675.4(PALB2):c.3197_3201+5dup

Gene: PALB2 (partner and localizer of BRCA2; minus strand). Cytogenetic location: 16p12.2.
Variant type: Duplication.
Coding change: c.3197_3201+5dup on transcript NM_024675.4 (MANE Select); coding-DNA position 3197 through 5 bases into the intron after coding-DNA position 3201, 10 bases duplicated (AAATGGTAAG; older notation c.3197_3201+5dupAAATGGTAAG).
Molecular consequence: splice donor variant.
Genome position (GRCh38, 1-based): chr16:23,613,999-23,614,008, CTTACCATTT duplicated on the plus strand (AAATGGTAAG on the coding strand, the reverse complement: PALB2 is on the minus strand); duplicating any 10 consecutive bases within chr16:23,613,999-23,614,009 gives the same sequence; the c. name uses the placement nearest the transcript's 3' end. VCF-style (leftmost placement, unchanged base first): chr16-23613998-A-ACTTACCATTT. GRCh37 (hg19) VCF-style: chr16-23625319-A-ACTTACCATTT.
Identifiers: ClinVar variation 1042032 (VCV001042032.9), dbSNP rs1966633635, ClinGen allele CA2213432437.

ClinVar aggregate classification (germline): Uncertain significance (1 of 4 stars; one submission).

Conditions:
Familial cancer of breast. Also called: hereditary breast carcinoma; Hereditary breast cancer; BREAST CANCER, FAMILIAL. Identifiers: Orphanet 227535, MedGen C0346153, MONDO:0016419, OMIM 114480. Disease mechanism: loss of function.

Submission:

Labcorp Genetics (formerly Invitae), Labcorp
Classification: Uncertain significance for Familial cancer of breast. Last evaluated: 2020-05-27. Review status: criteria provided, single submitter. Criteria: Invitae Variant Classification Sherloc (09022015). Collection method: clinical testing. Allele origin: germline.
Comment: This sequence change falls in intron 11 of the PALB2 gene. It does not directly change the encoded amino acid sequence of the PALB2 protein, but it affects a nucleotide within the consensus splice site of the intron. In summary, the available evidence is currently insufficient to determine the role of this variant in disease. Therefore, it has been classified as a Variant of Uncertain Significance. Nucleotide substitutions within the consensus splice site are a relatively common cause of aberrant splicing (PMID: 17576681, 9536098). Algorithms developed to predict the effect of sequence changes on RNA splicing suggest that this variant may create or strengthen a splice site, but this prediction has not been confirmed by published transcriptional studies. This variant has not been reported in the literature in individuals with PALB2-related conditions. This variant is not present in population databases (ExAC no frequency).

Literature cited by the submitters: PubMed 17576681; PubMed 9536098.